The following is an entry in ClinVar:

ClinVar aggregate classification (germline): Conflicting classifications of pathogenicity. Review status: criteria provided, conflicting classifications (1 of 4 stars). 2 submissions from 2 submitters: Likely pathogenic (1); Uncertain significance (1). Last evaluated 2024-01-30.

Conditions:
Hereditary cancer-predisposing syndrome. Also called: Tumor predisposition; Neoplastic Syndromes, Hereditary; Hereditary Cancer Syndrome; Hereditary neoplastic syndrome. Identifiers: Orphanet 140162, MedGen C0027672, MeSH D009386, MONDO:0015356.
Ataxia-telangiectasia syndrome (AT). Also called: ATAXIA-TELANGIECTASIA, COMPLEMENTATION GROUP A; ATAXIA-TELANGIECTASIA, FRESNO VARIANT; Ataxia-telangiectasia; Ataxia-telangiectasia, complementation group D; AT, COMPLEMENTATION GROUP C; Ataxia-telangiectasia, complementation group E. Identifiers: Orphanet 100, MedGen C0004135, MONDO:0008840, OMIM 208900.

Submissions (2):

Labcorp Genetics (formerly Invitae), Labcorp
Classification: Uncertain significance for Ataxia-telangiectasia syndrome. Last evaluated: 2024-01-30. Review status: criteria provided, single submitter. Criteria: Invitae Variant Classification Sherloc (09022015). Collection method: clinical testing. Allele origin: germline.
Comment: This sequence change falls in intron 55 of the ATM gene. It does not directly change the encoded amino acid sequence of the ATM protein. This variant is not present in population databases (gnomAD no frequency). This variant has not been reported in the literature in individuals affected with ATM-related conditions. ClinVar contains an entry for this variant (Variation ID: 827484). Algorithms developed to predict the effect of sequence changes on RNA splicing suggest that this variant may disrupt the consensus splice site. In summary, the available evidence is currently insufficient to determine the role of this variant in disease. Therefore, it has been classified as a Variant of Uncertain Significance.

Ambry Genetics
Classification: Likely pathogenic for Hereditary cancer-predisposing syndrome. Last evaluated: 2019-10-25. Review status: criteria provided, single submitter. Criteria: Ambry Variant Classification Scheme 2023. Collection method: clinical testing. Allele origin: germline.
Comment: The c.8152-18T>G intronic variant results from a T to G substitution 18 nucleotides upstream from coding exon 55 in the ATM gene. This nucleotide position is not well conserved in available vertebrate species. Using the BDGP and ESEfinder splice site prediction tools, this alteration is predicted to create a new alternate splice acceptor site. RNA studies have demonstrated that this alteration results in abnormal splicing in the set of samples tested (Ambry internal data). Based on the majority of available evidence to date, this variant is likely to be pathogenic.

NM_000051.4(ATM):c.8152-18T>G

Genes: ATM (ATM serine/threonine kinase; plus strand), C11orf65 (chromosome 11 open reading frame 65; minus strand). Cytogenetic location: 11q22.3.
Variant type: single nucleotide variant.
Coding change: c.8152-18T>G on transcript NM_000051.4 (MANE Select); 18 bases into the intron before coding-DNA position 8152, T replaced by G.
Molecular consequence: intron variant.
Genome position (GRCh38, 1-based): chr11:108,335,827, T>G. VCF-style: chr11-108335827-T-G. GRCh37 (hg19) VCF-style: chr11-108206554-T-G.
Other names: c.8152-18T>G (NM_001351834.2); c.641-26756A>C (NM_001330368.2); c.695-535A>C (NM_001351110.2).
Identifiers: ClinVar variation 827484 (VCV000827484.9), dbSNP rs1591197705, ClinGen allele CA915948316.